The following is an entry in ClinVar:

ClinVar aggregate classification (germline): Pathogenic. Review status: criteria provided, multiple submitters, no conflicts (2 of 4 stars). 2 submissions from 2 submitters: Pathogenic (2). Last evaluated 2026-03-30.

Submissions (2):

GeneDx
Classification: Pathogenic. Last evaluated: 2026-03-30. Review status: criteria provided, single submitter. Criteria: GeneDx Variant Classification Process June 2021. Collection method: clinical testing. Allele origin: germline.
Comment: Frameshift variant predicted to result in protein truncation or nonsense mediated decay in a gene for which loss of function is a known mechanism of disease; Not observed at significant frequency in large population cohorts (gnomAD); Has not been previously published as pathogenic or benign to our knowledge

Labcorp Genetics (formerly Invitae), Labcorp
Classification: Pathogenic. Last evaluated: 2022-12-25. Review status: criteria provided, single submitter. Criteria: Invitae Variant Classification Sherloc (09022015). Collection method: clinical testing. Allele origin: germline.
Comment: For these reasons, this variant has been classified as Pathogenic. Algorithms developed to predict the effect of sequence changes on RNA splicing suggest that this variant may disrupt the consensus splice site. This variant has not been reported in the literature in individuals affected with LMX1B-related conditions. This variant is not present in population databases (gnomAD no frequency). This sequence change creates a premature translational stop signal (p.Gly47Alafs*22) in the LMX1B gene. It is expected to result in an absent or disrupted protein product. Loss-of-function variants in LMX1B are known to be pathogenic (PMID: 9590287, 15498463).

Literature cited by the submitters: PubMed 9590287 (cited by Labcorp Genetics (formerly Invitae), Labcorp); PubMed 15498463 (cited by Labcorp Genetics (formerly Invitae), Labcorp).

NM_002316.3(LMX1B):c.140del

Gene: LMX1B (LIM homeobox transcription factor 1 beta; plus strand). Cytogenetic location: 9q33.3.
Variant type: Deletion.
Coding change: c.140del on transcript NM_002316.3; coding-DNA position 140, one base deleted (G; older notation c.140delG).
Genome position (GRCh38, 1-based): chr9:126,615,383, G deleted; the last of 2 consecutive G bases (chr9:126,615,382-126,615,383); deleting either gives the same sequence. VCF-style (leftmost placement, unchanged base first): chr9-126615381-AG-A. GRCh37 (hg19) VCF-style: chr9-129377660-AG-A.
Identifiers: ClinVar variation 2824157 (VCV002824157.4), dbSNP rs2490517429, ClinGen allele CA2739265029.